The following is an entry in ClinVar:

ClinVar aggregate classification (germline): Likely benign (1 of 4 stars; one submission).

Allele frequency attached by ClinVar (database versions not stated): ESP Exome Variant Server 0.00023; 1000 Genomes Project 30x 0.00031; 1000 Genomes Project 0.00040.
gnomAD v4.1: 64 of 1,614,228 alleles (0.004%); highest among the groups gnomAD compares: East Asian, 0.047%; no homozygotes.

Submission:

CeGaT Center for Human Genetics Tuebingen
Classification: Likely benign. Last evaluated: 2023-01-01. Review status: criteria provided, single submitter. Criteria: CeGaT Center For Human Genetics Tuebingen Variant Classification Criteria Version 2. Collection method: clinical testing. Allele origin: germline. Affected: yes. Observed: 1 variant allele.
Comment: ATP11A: BP4, BP7

NM_015205.3(ATP11A):c.3351C>T (p.Val1117=)

Gene: ATP11A (ATPase phospholipid transporting 11A; plus strand). Cytogenetic location: 13q34.
Variant type: single nucleotide variant.
Coding change: c.3351C>T on transcript NM_015205.3 (MANE Select); coding-DNA position 3351, C replaced by T.
Protein change: p.Val1117=; no amino-acid change (valine 1117 retained).
Molecular consequence: synonymous variant. On other transcripts: intron variant (4).
Genome position (GRCh38, 1-based): chr13:112,878,240, C>T. VCF-style: chr13-112878240-C-T. GRCh37 (hg19) VCF-style: chr13-113532554-C-T.
Other names: c.3327+2299C>T (NM_001405663.1, NM_001405661.1, NM_032189.4 and 1 more transcripts).
Identifiers: ClinVar variation 2643968 (VCV002643968.24), dbSNP rs139886263, ClinGen allele CA7057571.
Genomic context (GRCh38, chr13:112,878,240, plus strand): 5'-CACCCCTGTGTGCGTGGCCGCTGACCTCGGGACTAAGACTAAGAGCCAGTGCCTTTCTGT[C>T]GAGCAGTCAACCATCTTTATGCTTTCTCAGACTTCCAGCAGCCTGAGTTTCTGATGGAAC-3'
Protein context (NP_056020.2, residues 1107-1127): RVQTKSQCLS[Val1117=]EQSTIFMLSQ